The following is an entry in ClinVar:

ClinVar aggregate classification (germline): Likely pathogenic (1 of 4 stars; one submission).

Submission:

GeneDx
Classification: Likely pathogenic. Last evaluated: 2018-12-27. Review status: criteria provided, single submitter. Criteria: GeneDx Variant Classification (06012015). Collection method: clinical testing. Allele origin: germline. Affected: yes.
Comment: The c.691_694delCCTA variant in the IARS gene has not been reported previously as a pathogenic variant nor as a benign variant, to our knowledge. The c.691_694delCCTA variant causes a frameshift starting with codon Proline 231, changes this amino acid to a Valine residue, and creates a premature Stop codon at position 14 of the new reading frame, denoted p.Pro231ValfsX14. This variant is predicted to cause loss of normal protein function either through protein truncation or nonsense-mediated mRNA decay. The c.691_694delCCTA variant is not observed in large population cohorts (Lek et al., 2016). We interpret c.691_694delCCTA as a likely pathogenic variant.

NM_002161.6(IARS1):c.691_694del (p.Pro231fs)

Gene: IARS1 (isoleucyl-tRNA synthetase 1; minus strand). Cytogenetic location: 9q22.31.
Variant type: Deletion.
Coding change: c.691_694del on transcript NM_002161.6 (MANE Select); coding-DNA positions 691 to 694, 4 bases deleted (CCTA; older notation c.691_694delCCTA).
Protein change: p.Pro231fs; shifts the reading frame from proline 231.
Molecular consequence: frameshift variant. On other transcripts: non-coding transcript variant (1).
Genome position (GRCh38, 1-based): chr9:92,280,797-92,280,800, TAGG deleted on the plus strand (CCTA on the coding strand, the reverse complement: IARS1 is on the minus strand); deleting any 4 consecutive bases within chr9:92,280,797-92,280,803 gives the same sequence; the c. name uses the placement nearest the transcript's 3' end. VCF-style (leftmost placement, unchanged base first): chr9-92280796-CTAGG-C. GRCh37 (hg19) VCF-style: chr9-95043078-CTAGG-C.
Other names: c.691_694del, p.Pro231fs (NM_001374299.1, NM_001374300.1, NM_001374301.1 and 15 more transcripts); c.754_757del, p.Pro252fs (NM_001378569.1); c.568_571del, p.Pro190fs (NM_001378583.1); short protein forms P190fs, P231fs, P252fs.
Identifiers: ClinVar variation 817950 (VCV000817950.1), dbSNP rs1587880332, ClinGen allele CA915947029.
Genomic context (GRCh38, chr9:92,280,796, plus strand): 5'-TCCCACTTACCTTTAATTTTCACATATTGCATTTCTGGATTAACACACACAGCAAGGTTA[CTAGG>C]TAGAGTCCAGGGAGTGGTTGTCCAAGCAACTAAAGATACAGTTTCATCTTCTTCCAAAGG-3'